The following is an entry in ClinVar:

ClinVar aggregate classification (germline): Uncertain significance (1 of 4 stars; one submission).

Submission:

GeneDx
Classification: Uncertain significance. Last evaluated: 2019-09-19. Review status: criteria provided, single submitter. Criteria: GeneDx Variant Classification Process June 2021. Collection method: clinical testing. Allele origin: germline. Affected: yes.
Comment: Not observed in large population cohorts (Lek et al., 2016); In silico analysis, which includes protein predictors and evolutionary conservation, supports a deleterious effect; Has not been previously published as pathogenic or benign to our knowledge

NM_003919.3(SGCE):c.322C>A (p.Pro108Thr)

Genes: CASD1 (CAS1 domain containing 1; plus strand), SGCE (sarcoglycan epsilon; minus strand). Cytogenetic location: 7q21.3.
Variant type: single nucleotide variant.
Coding change: c.322C>A on transcript NM_003919.3 (MANE Select); coding-DNA position 322, C replaced by A.
Protein change: p.Pro108Thr; replaces proline 108 with threonine.
Molecular consequence: missense variant.
Genome position (GRCh38, 1-based): chr7:94,628,270, G>T on the plus strand (C>A on the coding strand, the complement: SGCE is on the minus strand). VCF-style: chr7-94628270-G-T. GRCh37 (hg19) VCF-style: chr7-94257582-G-T.
Other names: c.322C>A, p.Pro108Thr (NM_001099400.2, NM_001099401.2, NM_001346717.2); c.199C>A, p.Pro67Thr (NM_001301139.2, NM_001362809.2); c.430C>A, p.Pro144Thr (NM_001346713.2, NM_001346715.2); c.235C>A, p.Pro79Thr (NM_001346719.2, NM_001362807.2); c.49C>A, p.Pro17Thr (NM_001346720.2, NM_001362808.2); short protein forms P108T, P144T, P17T, P67T, P79T.
Identifiers: ClinVar variation 1312193 (VCV001312193.2), dbSNP rs1017300567, ClinGen allele CA162940336.